The following is an entry in ClinVar:

NM_003055.3(SLC18A3):c.1132C>A (p.Arg378Ser)

Genes: CHAT (choline O-acetyltransferase; plus strand), SLC18A3 (solute carrier family 18 member A3; plus strand). Cytogenetic location: 10q11.23.
Variant type: single nucleotide variant.
Coding change: c.1132C>A on transcript NM_003055.3 (MANE Select); coding-DNA position 1132, C replaced by A.
Protein change: p.Arg378Ser; replaces arginine 378 with serine.
Molecular consequence: missense variant. On other transcripts: intron variant (1).
Genome position (GRCh38, 1-based): chr10:49,611,872, C>A. VCF-style: chr10-49611872-C-A. GRCh37 (hg19) VCF-style: chr10-50819918-C-A.
Other names: c.-69+2673C>A (NM_020984.4); short protein forms R378S.
Identifiers: ClinVar variation 1415117 (VCV001415117.8), dbSNP rs1485782219, ClinGen allele CA376722108.
Genomic context (GRCh38, chr10:49,611,872, plus strand): 5'-CTGTACGGCGCGCTTGGGCTGGCTGTGATCGGCGCCAGCTCGTGCATCGTGCCCGCCTGC[C>A]GCTCCTTCGCGCCGCTAGTGGTCTCACTATGCGGCCTCTGTTTTGGCATAGCCCTAGTCG-3'
Protein context (NP_003046.2, residues 368-388): GASSCIVPAC[Arg378Ser]SFAPLVVSLC

ClinVar aggregate classification (germline): Uncertain significance (1 of 4 stars; one submission).

Allele frequency attached by ClinVar (database versions not stated): TOPMed 0.00003; gnomAD 0.00002; gnomAD exomes below 0.00001.

Submission:

Labcorp Genetics (formerly Invitae), Labcorp
Classification: Uncertain significance. Last evaluated: 2022-07-19. Review status: criteria provided, single submitter. Criteria: Invitae Variant Classification Sherloc (09022015). Collection method: clinical testing. Allele origin: germline.
Comment: This sequence change replaces arginine, which is basic and polar, with serine, which is neutral and polar, at codon 378 of the SLC18A3 protein (p.Arg378Ser). This variant is not present in population databases (gnomAD no frequency). In summary, the available evidence is currently insufficient to determine the role of this variant in disease. Therefore, it has been classified as a Variant of Uncertain Significance. Algorithms developed to predict the effect of missense changes on protein structure and function (SIFT, PolyPhen-2, Align-GVGD) all suggest that this variant is likely to be tolerated. ClinVar contains an entry for this variant (Variation ID: 1415117). This variant has not been reported in the literature in individuals affected with SLC18A3-related conditions.